The following is an entry in ClinVar:

ClinVar aggregate classification (germline): Uncertain significance. Review status: criteria provided, multiple submitters, no conflicts (2 of 4 stars). 2 submissions from 2 submitters: Uncertain significance (2). Last evaluated 2025-12-16.

Conditions:
Inborn genetic diseases. Identifiers: MedGen C0950123, MeSH D030342.

Allele frequency attached by ClinVar (database versions not stated): ExAC 0.00001; gnomAD exomes 0.00001; gnomAD 0.00003; TOPMed 0.00010.
gnomAD v4.1: 11 of 1,610,788 alleles (0.00068%); highest among the groups gnomAD compares: African/African-American, 0.015%; no homozygotes.

Submissions (2):

Ambry Genetics
Classification: Uncertain significance for Inborn genetic diseases. Last evaluated: 2025-12-16. Review status: criteria provided, single submitter. Criteria: Ambry Variant Classification Scheme 2023. Collection method: clinical testing. Allele origin: germline.

Labcorp Genetics (formerly Invitae), Labcorp
Classification: Uncertain significance. Last evaluated: 2023-08-01. Review status: criteria provided, single submitter. Criteria: Invitae Variant Classification Sherloc (09022015). Collection method: clinical testing. Allele origin: germline.
Comment: This variant has not been reported in the literature in individuals affected with TTBK2-related conditions. This sequence change replaces glutamine, which is neutral and polar, with glutamic acid, which is acidic and polar, at codon 688 of the TTBK2 protein (p.Gln688Glu). This variant is present in population databases (rs781635869, gnomAD 0.01%). Advanced modeling of protein sequence and biophysical properties (such as structural, functional, and spatial information, amino acid conservation, physicochemical variation, residue mobility, and thermodynamic stability) performed at Invitae indicates that this missense variant is not expected to disrupt TTBK2 protein function. In summary, the available evidence is currently insufficient to determine the role of this variant in disease. Therefore, it has been classified as a Variant of Uncertain Significance.

NM_173500.4(TTBK2):c.2062C>G (p.Gln688Glu)

Gene: TTBK2 (tau tubulin kinase 2; minus strand). Cytogenetic location: 15q15.2.
Variant type: single nucleotide variant.
Coding change: c.2062C>G on transcript NM_173500.4 (MANE Select); coding-DNA position 2062, C replaced by G.
Protein change: p.Gln688Glu; replaces glutamine 688 with glutamic acid.
Molecular consequence: missense variant.
Genome position (GRCh38, 1-based): chr15:42,753,184, G>C on the plus strand (C>G on the coding strand, the complement: TTBK2 is on the minus strand). VCF-style: chr15-42753184-G-C. GRCh37 (hg19) VCF-style: chr15-43045382-G-C.
Other names: short protein forms Q688E.
Identifiers: ClinVar variation 2900633 (VCV002900633.4), dbSNP rs781635869, ClinGen allele CA7516784.
Genomic context (GRCh38, chr15:42,753,184, plus strand): 5'-TTGGAGAGTAAAGTTCCACAGTGGGCTCCATGGGCTGAAGATCTTTCTTCTCTGGCTGCT[G>C]ACCACAGTGAAAGCTTCCTGAAGTTGACTGTGTAGATGCCACAGAAGGTCTAGGAATTGT-3'
Protein context (NP_775771.3, residues 678-698): QSTSGSFHCG[Gln688Glu]QPEKKDLQPM